The following is an entry in ClinVar:

ClinVar aggregate classification (germline): Pathogenic/Likely pathogenic. Review status: criteria provided, multiple submitters, no conflicts (2 of 4 stars). 2 submissions from 2 submitters: Pathogenic (1); Likely pathogenic (1). Last evaluated 2024-02-19.

Conditions:
Early-infantile DEE. Also called: Early infantile epileptic encephalopathy; Ohtahara syndrome; Early infantile epileptic encephalopathy with suppression bursts. Identifiers: Orphanet 1934, MedGen C0393706, MONDO:0800491.
Developmental and epileptic encephalopathy, 13 (DEE13). Also called: Early infantile epileptic encephalopathy 13; Developmental and Epileptic Encephalopathy (SCN8A-DEE); SCN8A-Related Epilepsy. Identifiers: Orphanet 442835, MedGen C3281191, MONDO:0013801, OMIM 614558.

Submissions (2):

Labcorp Genetics (formerly Invitae), Labcorp
Classification: Pathogenic for Early-infantile DEE. Last evaluated: 2024-02-19. Review status: criteria provided, single submitter. Criteria: Invitae Variant Classification Sherloc (09022015). Collection method: clinical testing. Allele origin: germline.
Comment: This sequence change replaces alanine, which is neutral and non-polar, with serine, which is neutral and polar, at codon 1323 of the SCN8A protein (p.Ala1323Ser). This variant is not present in population databases (gnomAD no frequency). This missense change has been observed in individual(s) with clinical features of SCN8A-related conditions (PMID: 26993267). In at least one individual the variant was observed to be de novo. ClinVar contains an entry for this variant (Variation ID: 1472032). Advanced modeling of protein sequence and biophysical properties (such as structural, functional, and spatial information, amino acid conservation, physicochemical variation, residue mobility, and thermodynamic stability) performed at Invitae indicates that this missense variant is expected to disrupt SCN8A protein function with a positive predictive value of 95%. This variant disrupts the p.Ala1323 amino acid residue in SCN8A. Other variant(s) that disrupt this residue have been determined to be pathogenic (PMID: 29100083; Invitae). This suggests that this residue is clinically significant, and that variants that disrupt this residue are likely to be disease-causing. For these reasons, this variant has been classified as Pathogenic.

Laboratorio de Genetica e Diagnostico Molecular, Hospital Israelita Albert Einstein
Classification: Likely pathogenic for Developmental and epileptic encephalopathy, 13. Last evaluated: 2022-08-26. Review status: criteria provided, single submitter. Criteria: ACMG Guidelines, 2015. Collection method: clinical testing. Allele origin: germline. Affected: yes. Observed: 1 variant allele.
Comment: ACMG classification criteria: PS4 supporting, PM2 moderated, PM6 moderated, PP2 supporting, PP3 supporting

Literature cited by the submitters: PubMed 26993267 (cited by Labcorp Genetics (formerly Invitae), Labcorp); PubMed 29100083 (cited by Labcorp Genetics (formerly Invitae), Labcorp).

NM_001330260.2(SCN8A):c.3967G>T (p.Ala1323Ser)

Gene: SCN8A (sodium voltage-gated channel alpha subunit 8; plus strand). Cytogenetic location: 12q13.13.
Variant type: single nucleotide variant.
Coding change: c.3967G>T on transcript NM_001330260.2 (MANE Select); coding-DNA position 3967, G replaced by T.
Protein change: p.Ala1323Ser; replaces alanine 1323 with serine.
Molecular consequence: missense variant.
Genome position (GRCh38, 1-based): chr12:51,786,566, G>T. VCF-style: chr12-51786566-G-T. GRCh37 (hg19) VCF-style: chr12-52180350-G-T.
Other names: c.3844G>T, p.Ala1282Ser (NM_001177984.3, NM_001369788.1); c.3967G>T, p.Ala1323Ser (NM_014191.4); short protein forms A1323S, A1282S.
Identifiers: ClinVar variation 1472032 (VCV001472032.10), dbSNP rs794727361, ClinGen allele CA384904455.